The following is an entry in ClinVar:

ClinVar aggregate classification (germline): Likely benign. Review status: criteria provided, multiple submitters, no conflicts (2 of 4 stars). 3 submissions from 3 submitters: Likely benign (2). 1 of the submissions does not count toward it. Last evaluated 2024-12-02.

Conditions:
TIMP3-related disorder. Also called: TIMP3-related condition.

Allele frequency attached by ClinVar (database versions not stated): gnomAD 0.00003 and 0.00004; gnomAD exomes 0.00003 and 0.00005; TOPMed 0.00003; ExAC 0.00005.
gnomAD v4.1: 83 of 1,578,416 alleles (0.0053%); highest among the groups gnomAD compares: Admixed American, 0.014%; no homozygotes.

Submissions (3):

Labcorp Genetics (formerly Invitae), Labcorp
Classification: Likely benign. Last evaluated: 2024-12-02. Review status: criteria provided, single submitter. Criteria: Invitae Variant Classification Sherloc (09022015). Collection method: clinical testing. Allele origin: germline.

Blueprint Genetics
Classification: Likely benign. Last evaluated: 2019-01-28. Review status: criteria provided, single submitter. Criteria: ACMG Guidelines, 2015. Collection method: clinical testing. Allele origin: germline.

PreventionGenetics, part of Exact Sciences
Classification: Likely benign for TIMP3-related condition. Last evaluated: 2024-08-25. Review status: no assertion criteria provided. Collection method: clinical testing. Allele origin: germline. Not counted in ClinVar's aggregate classification.
Comment: This variant is classified as likely benign based on ACMG/AMP sequence variant interpretation guidelines (Richards et al. 2015 PMID: 25741868, with internal and published modifications).

NM_000362.5(TIMP3):c.15C>T (p.Leu5=)

Genes: SYN3 (synapsin III; minus strand), TIMP3 (TIMP metallopeptidase inhibitor 3; plus strand). Cytogenetic location: 22q12.3.
Variant type: single nucleotide variant.
Coding change: c.15C>T on transcript NM_000362.5 (MANE Select); coding-DNA position 15, C replaced by T.
Protein change: p.Leu5=; no amino-acid change (leucine 5 retained).
Molecular consequence: synonymous variant. On other transcripts: intron variant (7).
Genome position (GRCh38, 1-based): chr22:32,802,016, C>T. VCF-style: chr22-32802016-C-T. GRCh37 (hg19) VCF-style: chr22-33198002-C-T.
Other names: c.708+62899G>A (NM_001369909.1, NM_001135774.2, NM_001369910.1); c.711+62899G>A (NM_001369907.1, NM_003490.4, NM_001369908.1 and 1 more transcripts); c.15C>T (NM_000362.4).
Identifiers: ClinVar variation 1134074 (VCV001134074.11), dbSNP rs756879798, ClinGen allele CA10202143.